The following is an entry in ClinVar:

ClinVar aggregate classification (germline): Pathogenic (1 of 4 stars; one submission).

Conditions:
Epilepsy, familial focal, with variable foci 3 (FFEVF3). Identifiers: MedGen C4310708, MONDO:0014925, OMIM 617118.

Submission:

Labcorp Genetics (formerly Invitae), Labcorp
Classification: Pathogenic for Epilepsy, familial focal, with variable foci 3. Last evaluated: 2023-08-17. Review status: criteria provided, single submitter. Criteria: Invitae Variant Classification Sherloc (09022015). Collection method: clinical testing. Allele origin: germline.
Comment: This sequence change creates a premature translational stop signal (p.Leu261Cysfs*22) in the NPRL3 gene. It is expected to result in an absent or disrupted protein product. Loss-of-function variants in NPRL3 are known to be pathogenic (PMID: 26285051, 26505888). This variant is not present in population databases (gnomAD no frequency). This variant has not been reported in the literature in individuals affected with NPRL3-related conditions. For these reasons, this variant has been classified as Pathogenic.

Literature cited by the submitters: PubMed 26285051; PubMed 26505888.

NM_001077350.3(NPRL3):c.781del (p.Leu261fs)

Genes: HBA-LCR (alpha-globin locus control region; plus strand), NPRL3 (NPR3 like, GATOR1 complex subunit; minus strand). Cytogenetic location: 16p13.3.
Variant type: Deletion.
Coding change: c.781del on transcript NM_001077350.3 (MANE Select); coding-DNA position 781, one base deleted (C; older notation c.781delC).
Protein change: p.Leu261fs; shifts the reading frame from leucine 261.
Molecular consequence: frameshift variant.
Genome position (GRCh38, 1-based): chr16:98,288, G deleted on the plus strand (C on the coding strand, the reverse complement: NPRL3 is on the minus strand); the first of 3 consecutive G bases (chr16:98,288-98,290); deleting any one gives the same sequence. VCF-style (leftmost placement, unchanged base first): chr16-98287-AG-A. GRCh37 (hg19) VCF-style: chr16-148285-AG-A.
Other names: c.244del, p.Leu82fs (NM_001039476.3); c.547del, p.Leu183fs (NM_001243247.2); c.706del, p.Leu236fs (NM_001243248.2, NM_001243249.2); short protein forms L183fs, L236fs, L261fs, L82fs.
Identifiers: ClinVar variation 2753488 (VCV002753488.3), dbSNP rs2542826556, ClinGen allele CA2697549466.
Genomic context (GRCh38, chr16:98,287, plus strand): 5'-GCAGGGGAGCAGTCAATAGGAAGCTCACCCAGCAAGGACTTCTCATCACTGAGCAGCAGC[AG>A]GGCATGGTAGGGGCTGCAAAACAATCACCTGTCACGGAACACACGAAGTGCAGGAACCCT-3'